The following is an entry in ClinVar:

ClinVar aggregate classification (germline): Uncertain significance. Review status: criteria provided, multiple submitters, no conflicts (2 of 4 stars). 2 submissions from 2 submitters: Uncertain significance (2). Last evaluated 2025-05-01.

Conditions:
Microcephaly 15, primary, autosomal recessive (NEDMISBA). Also called: NEURODEVELOPMENTAL DISORDER WITH PROGRESSIVE MICROCEPHALY, SPASTICITY, AND BRAIN IMAGING ABNORMALITIES. Identifiers: Orphanet 2512, MedGen C4225310, MONDO:0014660, OMIM 616486.

Allele frequency attached by ClinVar (database versions not stated): TOPMed 0.00001; ExAC 0.00002.

Submissions (2):

CeGaT Center for Human Genetics Tuebingen
Classification: Uncertain significance. Last evaluated: 2025-05-01. Review status: criteria provided, single submitter. Criteria: CeGaT Center For Human Genetics Tuebingen Variant Classification Criteria Version 2. Collection method: clinical testing. Allele origin: germline. Affected: yes. Observed: 1 variant allele.
Comment: MFSD2A: PM2, PP2, BP4

Victorian Clinical Genetics Services, Murdoch Childrens Research Institute
Classification: Uncertain significance for Microcephaly 15, primary, autosomal recessive. Last evaluated: 2023-07-17. Review status: criteria provided, single submitter. Criteria: ACMG Guidelines, 2015. Collection method: clinical testing. Allele origin: germline. Inheritance: Autosomal recessive inheritance. Affected: yes.
Comment: Based on the classification scheme VCGS_Germline_v1.3.4, this variant is classified as VUS-3C. Following criteria are met: 0102 - Loss of function is a known mechanism of disease in this gene and is associated with neurodevelopmental disorder with progressive microcephaly, spasticity, and brain abnormalities (MIM#616486). (I) 0106 - This gene is associated with autosomal recessive disease. (I) 0200 - Variant is predicted to result in a missense amino acid change from arginine to histidine. (I) 0251 - This variant is heterozygous. (I) 0304 - Variant is present in gnomAD (v2) <0.01 for a recessive condition (3 heterozygotes, 0 homozygotes). (SP) 0309 - Multiple alternative amino acid changes at the same position have been observed in gnomAD (v2) (highest allele count: 136 heterozygotes, 2 homozygotes). (I) 0503 - Missense variant consistently predicted to be tolerated by multiple in silico tools or not conserved in placental mammals with a minor amino acid change. (SB) 0600 - Variant is located in the annotated MFS/sugar transport protein (DECIPHER). (I) 0709 - Another missense variant comparable to the one identified in this case has moderate previous evidence for being benign. This alternative change (p.(Arg465Ser)) has been reported as benign (ClinVar). Another alternative change (p.(Arg465Cys)) has been reported as a VUS (ClinVar). (SB) 0809 - Previous evidence of pathogenicity for this variant is inconclusive. This variant has been reported as a VUS, and observed in an individual with microcephaly, cortical dysplasia and developmental regression (VCGS, ClinVar). (I) 0905 - No published segregation evidence has been identified for this variant. (I) 1007 - No published functional evidence has been identified for this variant. (I) Legend: (SP) - Supporting pathogenic, (I) - Information, (SB) - Supporting benign

NM_032793.5(MFSD2A):c.1394G>A (p.Arg465His)

Gene: MFSD2A (MFSD2 lysolipid transporter A, lysophospholipid; plus strand). Cytogenetic location: 1p34.2.
Variant type: single nucleotide variant.
Coding change: c.1394G>A on transcript NM_032793.5 (MANE Select); coding-DNA position 1394, G replaced by A.
Protein change: p.Arg465His; replaces arginine 465 with histidine.
Molecular consequence: missense variant. On other transcripts: non-coding transcript variant (1).
Genome position (GRCh38, 1-based): chr1:39,968,610, G>A. VCF-style: chr1-39968610-G-A. GRCh37 (hg19) VCF-style: chr1-40434282-G-A.
Other names: c.1433G>A, p.Arg478His (NM_001136493.3); c.926G>A, p.Arg309His (NM_001287808.2); c.1277G>A, p.Arg426His (NM_001287809.2); c.1388G>A, p.Arg463His (NM_001349821.2); c.1310G>A, p.Arg437His (NM_001349822.2); c.1049G>A, p.Arg350His (NM_001349823.2); short protein forms R309H, R350H, R426H, R437H, R463H, R465H, R478H.
Identifiers: ClinVar variation 1806237 (VCV001806237.12), dbSNP rs375569767, ClinGen allele CA788986.